The following is an entry in ClinVar:

ClinVar aggregate classification (germline): Uncertain significance (1 of 4 stars; one submission).

gnomAD v4.1: 1 of 1,614,200 alleles (0.000062%); highest among the groups gnomAD compares: African/African-American, 0.0013%; no homozygotes.

Submission:

GeneDx
Classification: Uncertain significance. Last evaluated: 2026-03-14. Review status: criteria provided, single submitter. Criteria: GeneDx Variant Classification Process June 2021. Collection method: clinical testing. Allele origin: germline.
Comment: Not observed at significant frequency in large population cohorts (gnomAD); In silico analysis supports that this missense variant has a deleterious effect on protein structure/function; Missense variant in a gene in which most reported pathogenic variants are truncating/loss of function; Has not been previously published as pathogenic or benign to our knowledge

NM_015443.4(KANSL1):c.2060C>G (p.Ser687Cys)

Gene: KANSL1 (KAT8 regulatory NSL complex subunit 1). Cytogenetic location: 17q21.31.
Variant type: single nucleotide variant.
Coding change: c.2060C>G on transcript NM_015443.4 (MANE Select); coding-DNA position 2060, C replaced by G.
Protein change: p.Ser687Cys; replaces serine 687 with cysteine.
Molecular consequence: missense variant.
Genome position (GRCh38, 1-based): chr17:46,039,845, G>C on the plus strand (C>G on the coding strand, the complement: KANSL1 is on the minus strand). VCF-style: chr17-46039845-G-C. GRCh37 (hg19) VCF-style: chr17-44117211-G-C.
Other names: c.2060C>G, p.Ser687Cys (NM_001193465.2, NM_001193466.2, NM_001379198.1 and 14 more transcripts); c.1958C>G, p.Ser653Cys (NM_001405859.1, NM_001405860.1, NM_001405861.1 and 1 more transcripts); c.794C>G, p.Ser265Cys (NM_001405882.1, NM_001405883.1, NM_001405884.1 and 1 more transcripts); short protein forms S265C, S653C, S687C.
Identifiers: ClinVar variation 5009196 (VCV005009196.1).
Genomic context (GRCh38, chr17:46,039,845, plus strand): 5'-TGCTTAAGCGATAACTTTTTGGGAGGTTTGATTTTGTCAAAAGGCTTGTTCTGCCACTGA[G>C]ATTTCAGCATGCTCTGGAAATGCAGGCTTGTGGGAACATCTGCAAGAAACATAAAATGCT-3'
Protein context (NP_056258.1, residues 677-697): TSLHFQSMLK[Ser687Cys]QWQNKPFDKI